The following is an entry in ClinVar:

NM_017827.4(SARS2):c.136G>A (p.Glu46Lys)

Genes: SARS2 (seryl-tRNA synthetase 2, mitochondrial; minus strand), LOC130064387 (ATAC-STARR-seq lymphoblastoid active region 14604; plus strand). Cytogenetic location: 19q13.2.
Variant type: single nucleotide variant.
Coding change: c.136G>A on transcript NM_017827.4 (MANE Select); coding-DNA position 136, G replaced by A.
Protein change: p.Glu46Lys; replaces glutamic acid 46 with lysine.
Molecular consequence: missense variant.
Genome position (GRCh38, 1-based): chr19:38,930,601, C>T on the plus strand (G>A on the coding strand, the complement: SARS2 is on the minus strand). VCF-style: chr19-38930601-C-T. GRCh37 (hg19) VCF-style: chr19-39421241-C-T.
Other names: p.E46K:GAG>AAG; c.136G>A, p.Glu46Lys (NM_001145901.2); short protein forms E46K.
Identifiers: ClinVar variation 215105 (VCV000215105.7), dbSNP rs142446687, ClinGen allele CA322137.
Genomic context (GRCh38, chr19:38,930,601, plus strand): 5'-ATGCGCAGAACCGCTCTATGTCCAGCTGAGGGAGTGCGCTGTAGCCCTCGCGCGCATACT[C>T]GTACAGGAGGTTCCGGTTTCGTTTCTCTGTAGTGAAACTTCTCCTTGGACTATCGTTGGA-3'
Protein context (NP_060297.1, residues 36-56): TEKRNRNLLY[Glu46Lys]YAREGYSALP

ClinVar aggregate classification (germline): Uncertain significance. Review status: criteria provided, multiple submitters, no conflicts (2 of 4 stars). 3 submissions from 3 submitters: Uncertain significance (3). Last evaluated 2024-10-18.

Conditions:
Hyperuricemia, pulmonary hypertension, renal failure, alkalosis syndrome (HUPRAS). Also called: HYPERURICEMIA, PULMONARY HYPERTENSION, RENAL FAILURE, AND ALKALOSIS SYNDROME; HUPRA SYNDROME. Identifiers: Orphanet 363694, MedGen C3151209, MONDO:0013458, OMIM 613845.

Allele frequency attached by ClinVar (database versions not stated): gnomAD 0.00011 and 0.00012; TOPMed 0.00013; ExAC 0.00015; gnomAD exomes 0.00020 and 0.00039; 1000 Genomes Project 30x 0.00031; ESP Exome Variant Server 0.00031; 1000 Genomes Project 0.00040.
gnomAD v4.1: 579 of 1,614,124 alleles (0.036%); highest among the groups gnomAD compares: Middle Eastern, 0.12%; 1 homozygote.

Submissions (3):

Labcorp Genetics (formerly Invitae), Labcorp
Classification: Uncertain significance. Last evaluated: 2024-10-18. Review status: criteria provided, single submitter. Criteria: Invitae Variant Classification Sherloc (09022015). Collection method: clinical testing. Allele origin: germline.
Comment: This sequence change replaces glutamic acid, which is acidic and polar, with lysine, which is basic and polar, at codon 46 of the SARS2 protein (p.Glu46Lys). This variant is present in population databases (rs142446687, gnomAD 0.08%). This variant has not been reported in the literature in individuals affected with SARS2-related conditions. ClinVar contains an entry for this variant (Variation ID: 215105). An algorithm developed to predict the effect of missense changes on protein structure and function (PolyPhen-2) suggests that this variant is likely to be disruptive. In summary, the available evidence is currently insufficient to determine the role of this variant in disease. Therefore, it has been classified as a Variant of Uncertain Significance.

Fulgent Genetics
Classification: Uncertain significance for Hyperuricemia, pulmonary hypertension, renal failure, alkalosis syndrome. Last evaluated: 2024-01-26. Review status: criteria provided, single submitter. Criteria: ACMG Guidelines, 2015. Collection method: clinical testing. Allele origin: germline.

GeneDx
Classification: Uncertain significance. Last evaluated: 2018-11-30. Review status: criteria provided, single submitter. Criteria: GeneDx Variant Classification (06012015). Collection method: clinical testing. Allele origin: germline. Affected: yes.
Comment: The E46K variant has not been published as a mutation, nor has it been reported as a benign polymorphism to our knowledge. The 1000 Genomes Project Consortium reports E46K was observed in 2/214 alleles from individuals from an Italian population in Tuscany. The E46K variant is a non-conservative amino acid substitution, which is likely to impact secondary protein structure as these residues differ in polarity, charge, size and/or other properties. This substitution occurs at a position that is not conserved across species. In silico analysis is inconsistent in its predictions as to whether or not the variant is damaging to the protein structure/function. Therefore, based on the currently available information, it is unclear whether this variant is a pathogenic mutation or a rare benign variant.